The following is an entry in ClinVar:

ClinVar aggregate classification (germline): Likely benign. Review status: criteria provided, multiple submitters, no conflicts (2 of 4 stars). 6 submissions from 6 submitters: Likely benign (5). 1 of the submissions does not count toward it. Last evaluated 2026-02-01.

Conditions:
Cardiovascular phenotype. Identifiers: MedGen CN230736.
ABCG8-related disorder. Also called: ABCG8-related condition.

Allele frequency attached by ClinVar (database versions not stated): gnomAD 0.00001; gnomAD exomes 0.00003; TOPMed 0.00003; ExAC 0.00005.
gnomAD v4.1: 43 of 1,614,112 alleles (0.0027%); highest among the groups gnomAD compares: Middle Eastern, 0.016%; 1 homozygote.

Submissions (6):

CeGaT Center for Human Genetics Tuebingen
Classification: Likely benign. Last evaluated: 2026-02-01. Review status: criteria provided, single submitter. Criteria: CeGaT Center For Human Genetics Tuebingen Variant Classification Criteria Version 2. Collection method: clinical testing. Allele origin: germline. Affected: yes. Observed: 1 variant allele.
Comment: ABCG8: BP4

Labcorp Genetics (formerly Invitae), Labcorp
Classification: Likely benign. Last evaluated: 2025-11-27. Review status: criteria provided, single submitter. Criteria: Invitae Variant Classification Sherloc (09022015). Collection method: clinical testing. Allele origin: germline.

Ambry Genetics
Classification: Likely benign for Cardiovascular phenotype. Last evaluated: 2025-11-19. Review status: criteria provided, single submitter. Criteria: Ambry Variant Classification Scheme 2023. Collection method: clinical testing. Allele origin: germline.

Women's Health and Genetics/Laboratory Corporation of America, LabCorp
Classification: Likely benign. Last evaluated: 2025-04-15. Review status: criteria provided, single submitter. Criteria: LabCorp Variant Classification Summary - May 2015. Collection method: clinical testing. Allele origin: germline.

Blueprint Genetics
Classification: Likely benign. Last evaluated: 2024-04-25. Review status: criteria provided, single submitter. Criteria: ACMG Guidelines, 2015. Collection method: clinical testing. Allele origin: germline.

PreventionGenetics, part of Exact Sciences
Classification: Likely benign for ABCG8-related condition. Last evaluated: 2019-06-11. Review status: no assertion criteria provided. Collection method: clinical testing. Allele origin: germline. Not counted in ClinVar's aggregate classification.
Comment: This variant is classified as likely benign based on ACMG/AMP sequence variant interpretation guidelines (Richards et al. 2015 PMID: 25741868, with internal and published modifications).

NM_022437.3(ABCG8):c.1489-5T>C

Gene: ABCG8 (ATP binding cassette subfamily G member 8; plus strand). Cytogenetic location: 2p21.
Variant type: single nucleotide variant.
Coding change: c.1489-5T>C on transcript NM_022437.3 (MANE Select); 5 bases into the intron before coding-DNA position 1489, T replaced by C.
Molecular consequence: intron variant.
Genome position (GRCh38, 1-based): chr2:43,875,141, T>C. VCF-style: chr2-43875141-T-C. GRCh37 (hg19) VCF-style: chr2-44102280-T-C.
Other names: c.1489-5T>C (NM_022437.2); c.1486-5T>C (NM_001357321.2).
Identifiers: ClinVar variation 2197322 (VCV002197322.15), dbSNP rs768789130, ClinGen allele CA1637526.